The following is an entry in ClinVar:

NM_000545.8(HNF1A):c.544C>T (p.Gln182Ter)

Gene: HNF1A (HNF1 homeobox A; plus strand). Cytogenetic location: 12q24.31.
Variant type: single nucleotide variant.
Coding change: c.544C>T on transcript NM_000545.8 (MANE Select); coding-DNA position 544, C replaced by T.
Protein change: p.Gln182Ter; replaces glutamine 182 with a stop codon.
Molecular consequence: nonsense.
Genome position (GRCh38, 1-based): chr12:120,993,537, C>T. VCF-style: chr12-120993537-C-T. GRCh37 (hg19) VCF-style: chr12-121431340-C-T.
Other names: NM_000545.8(HNF1A):c.544C>T; p.Gln182Ter; c.544C>T, p.Gln182Ter (NM_001306179.2, NM_001406915.1); short protein forms Q182*.
Identifiers: ClinVar variation 2627337 (VCV002627337.5), dbSNP rs2135838920, ClinGen allele CA386963576.

ClinVar aggregate classification (germline): Pathogenic. Review status: reviewed by expert panel (3 of 4 stars). 4 submissions from 4 submitters: Pathogenic (1). 3 of the submissions do not count toward it. Last evaluated 2025-04-17.

Conditions:
Maturity-onset diabetes of the young (MODY). Also called: Maturity onset diabetes mellitus in young. Identifiers: Orphanet 552, MedGen C0342276, MONDO:0018911, HP:0004904.
Monogenic diabetes. Identifiers: Orphanet 183625, MedGen C3888631, MONDO:0015967.

Submissions (4):

ClinGen Monogenic Diabetes Variant Curation Expert Panel
Classification: Pathogenic for Monogenic diabetes. Last evaluated: 2025-04-17. Review status: reviewed by expert panel. Criteria: ClinGen Diabetes ACMG Specifications HNF1A V2.1.0. Collection method: curation. Allele origin: germline. Inheritance: Autosomal dominant inheritance.
Comment: The c.544C>T variant in the HNF1 homeobox A gene, HNF1A, results in a premature termination at codon 182 (p.(Gln182Ter)) of NM_000545.8. This variant, located in biologically-relevant exon 3 of 10, is predicted to lead to nonsense mediated decay in a gene in which loss-of-function is an established disease mechanism (PVS1; PMID: 23348805). This variant is absent from gnomAD v2.1.1 and v4.1.0 (PM2_Supporting). This variant was identified in an individual with a clinical history highly specific for HNF1A-monogenic diabetes (MODY probability calculator result >50%, negative HNF4A testing, and hepatocellular adenomas) (PP4_Moderate; internal lab contributors). In summary, c.544C>T meets the criteria to be classified as pathogenic for monogenic diabetes. ACMG/AMP criteria applied, as specified by the ClinGen MDEP (specification version 2.1.0, approved 8/11/2023): PVS1, PP4_Moderate, PM2_Supporting.

Labcorp Genetics (formerly Invitae), Labcorp
Classification: Pathogenic. Last evaluated: 2025-07-29. Review status: criteria provided, single submitter. Criteria: Invitae Variant Classification Sherloc (09022015). Collection method: clinical testing. Allele origin: germline. Not counted in ClinVar's aggregate classification.
Comment: This sequence change creates a premature translational stop signal (p.Gln182*) in the HNF1A gene. It is expected to result in an absent or disrupted protein product. Loss-of-function variants in HNF1A are known to be pathogenic (PMID: 15928245, 18003757). This variant is not present in population databases (gnomAD no frequency). This premature translational stop signal has been observed in individual(s) with maturity-onset diabetes of the young (PMID: 23348805). ClinVar contains an entry for this variant (Variation ID: 2627337). For these reasons, this variant has been classified as Pathogenic.

Women's Health and Genetics/Laboratory Corporation of America, LabCorp
Classification: Pathogenic for Maturity-onset diabetes of the young. Last evaluated: 2025-04-22. Review status: criteria provided, single submitter. Criteria: LabCorp Variant Classification Summary - May 2015. Collection method: clinical testing. Allele origin: germline. Not counted in ClinVar's aggregate classification.
Comment: Variant summary: HNF1A c.544C>T (p.Gln182X) results in a premature termination codon, predicted to cause a truncation of the encoded protein or absence of the protein due to nonsense mediated decay, which are commonly known mechanisms for disease. The variant was absent in 251276 control chromosomes. c.544C>T has been reported in the literature in individuals affected with Maturity Onset Diabetes Of The Young (e.g. Colclough_2013, Pihoker_2013). These data indicate that the variant may be associated with disease. To our knowledge, no experimental evidence demonstrating an impact on protein function has been reported. The following publications have been ascertained in the context of this evaluation (PMID: 23348805, 23771925). ClinVar contains an entry for this variant (Variation ID: 2627337). Based on the evidence outlined above, the variant was classified as pathogenic.

Athena Diagnostics
Classification: Pathogenic. Last evaluated: 2025-01-23. Review status: criteria provided, single submitter. Criteria: Athena Diagnostics Criteria. Collection method: clinical testing. Allele origin: unknown. Not counted in ClinVar's aggregate classification.
Comment: This variant is expected to result in the loss of a functional protein. This variant has not been reported in large, multi-ethnic general populations. This variant has been identified in at least one individual with clinical features associated with this gene.

Literature cited by the submitters: PubMed 23348805 (cited by 4 submitters); PubMed 15928245 (cited by Labcorp Genetics (formerly Invitae), Labcorp); PubMed 18003757 (cited by Labcorp Genetics (formerly Invitae), Labcorp); PubMed 23771925 (cited by Women's Health and Genetics/Laboratory Corporation of America, LabCorp); PubMed 36257325 (cited by Athena Diagnostics).